The following is an entry in ClinVar:

ClinVar aggregate classification (germline): Likely benign (1 of 4 stars; one submission).

Allele frequency attached by ClinVar (database versions not stated): 1000 Genomes Project 0.00100; gnomAD 0.00114; TOPMed 0.00130; 1000 Genomes Project 30x 0.00094.
gnomAD v4.1: 172 of 151,988 alleles (0.11%); highest among the groups gnomAD compares: African/African-American, 0.37%; no homozygotes.

Submission:

CeGaT Center for Human Genetics Tuebingen
Classification: Likely benign. Last evaluated: 2026-06-01. Review status: criteria provided, single submitter. Criteria: CeGaT Center For Human Genetics Tuebingen Variant Classification Criteria Version 2. Collection method: clinical testing. Allele origin: germline. Affected: yes. Observed: 3 variant alleles.
Comment: SOX10: BS1

NM_006941.4(SOX10):c.697+398G>A

Genes: POLR2F (RNA polymerase II, I and III subunit F; plus strand), SOX10 (SRY-box transcription factor 10; minus strand). Cytogenetic location: 22q13.1.
Variant type: single nucleotide variant.
Coding change: c.697+398G>A on transcript NM_006941.4 (MANE Select); 398 bases into the intron after coding-DNA position 697, G replaced by A.
Molecular consequence: intron variant.
Genome position (GRCh38, 1-based): chr22:37,977,469, C>T on the plus strand (G>A on the coding strand, the complement: SOX10 is on the minus strand). VCF-style: chr22-37977469-C-T. GRCh37 (hg19) VCF-style: chr22-38373476-C-T.
Other names: c.*38+5159C>T (NM_001363825.1); c.294-8685C>T (NM_001301130.2); c.293+10299C>T (NM_001301131.2).
Identifiers: ClinVar variation 1879557 (VCV001879557.26), dbSNP rs532686347, ClinGen allele CA324163231.